The following is an entry in ClinVar:

ClinVar aggregate classification (germline): Conflicting classifications of pathogenicity. Review status: criteria provided, conflicting classifications (1 of 4 stars). 4 submissions from 4 submitters: Uncertain significance (2); Benign (2). Last evaluated 2025-10-15.

Conditions:
Ovarian cancer. Also called: OVARIAN CANCER, SOMATIC. Identifiers: Orphanet 213500, MedGen C1140680, MONDO:0008170, OMIM 167000.
Gorlin syndrome. Also called: Basal cell nevus syndrome; Nevoid Basal Cell Carcinoma Syndrome. Identifiers: Orphanet 377, MedGen C0004779, MONDO:0007187.
Hereditary cancer-predisposing syndrome. Also called: Neoplastic Syndromes, Hereditary; Hereditary Cancer Syndrome; Hereditary neoplastic syndrome; Tumor predisposition. Identifiers: Orphanet 140162, MedGen C0027672, MeSH D009386, MONDO:0015356.

Allele frequency attached by ClinVar (database versions not stated): gnomAD 0.00001; gnomAD exomes 0.00001; TOPMed 0.00001.
gnomAD v4.1: 17 of 1,613,142 alleles (0.0011%); highest among the groups gnomAD compares: East Asian, 0.016%; no homozygotes.

Submissions (4):

Labcorp Genetics (formerly Invitae), Labcorp
Classification: Benign for Gorlin syndrome. Last evaluated: 2025-10-15. Review status: criteria provided, single submitter. Criteria: Invitae Variant Classification Sherloc (09022015). Collection method: clinical testing. Allele origin: germline.

Quest Diagnostics Nichols Institute San Juan Capistrano
Classification: Uncertain significance. Last evaluated: 2025-07-02. Review status: criteria provided, single submitter. Criteria: Quest Diagnostics criteria. Collection method: clinical testing. Allele origin: unknown.
Comment: The PTCH1 c.3941C>T (p.Pro1314Leu) variant has been reported in the published literature in siblings affected with lung cancer (PMID: 35982978 (2022)). The frequency of this variant in the general population (Genome Aggregation Database) is higher than would generally be expected for pathogenic variants in this gene. Analysis of this variant using bioinformatics tools for the prediction of the effect of amino acid changes on protein structure and function yielded predictions that this variant is benign. Based on the available information, we are unable to determine the clinical significance of this variant.

Ambry Genetics
Classification: Uncertain significance for Hereditary cancer-predisposing syndrome. Last evaluated: 2024-06-13. Review status: criteria provided, single submitter. Criteria: Ambry Variant Classification Scheme 2023. Collection method: clinical testing. Allele origin: germline.
Comment: The p.P1314L variant (also known as c.3941C>T), located in coding exon 23 of the PTCH1 gene, results from a C to T substitution at nucleotide position 3941. The proline at codon 1314 is replaced by leucine, an amino acid with similar properties. This amino acid position is highly conserved in available vertebrate species. In addition, the in silico prediction for this alteration is inconclusive. Based on the available evidence, the clinical significance of this variant remains unclear.

Laboratory of Molecular Epidemiology of Birth Defects, West China Second University Hospital, Sichuan University
Classification: Benign for Ovarian cancer. Last evaluated: 2022-01-01. Review status: criteria provided, single submitter. Criteria: ACMG Guidelines, 2015. Collection method: clinical testing. Allele origin: germline. Affected: yes.

Literature cited by the submitters: PubMed 35982978 (cited by Quest Diagnostics Nichols Institute San Juan Capistrano).

NM_000264.5(PTCH1):c.3941C>T (p.Pro1314Leu)

Gene: PTCH1 (patched 1; minus strand). Cytogenetic location: 9q22.32.
Variant type: single nucleotide variant.
Coding change: c.3941C>T on transcript NM_000264.5 (MANE Select); coding-DNA position 3941, C replaced by T.
Protein change: p.Pro1314Leu; replaces proline 1314 with leucine.
Molecular consequence: missense variant. On other transcripts: non-coding transcript variant (1).
Genome position (GRCh38, 1-based): chr9:95,447,315, G>A on the plus strand (C>T on the coding strand, the complement: PTCH1 is on the minus strand). VCF-style: chr9-95447315-G-A. GRCh37 (hg19) VCF-style: chr9-98209597-G-A.
Other names: c.3743C>T, p.Pro1248Leu (NM_001083602.3); c.3938C>T, p.Pro1313Leu (NM_001083603.3); c.3488C>T, p.Pro1163Leu (NM_001083604.3, NM_001083605.3, NM_001083606.3 and 1 more transcripts); c.3785C>T, p.Pro1262Leu (NM_001354918.2); c.3941C>T (NM_000264.4); short protein forms P1163L, P1313L, P1248L, P1262L, P1314L.
Identifiers: ClinVar variation 644944 (VCV000644944.15), dbSNP rs1400282737, ClinGen allele CA374110621.